The following is an entry in ClinVar:

NM_001070.5(TUBG1):c.53G>A (p.Gly18Glu)

Gene: TUBG1 (tubulin gamma 1; plus strand). Cytogenetic location: 17q21.2.
Variant type: single nucleotide variant.
Coding change: c.53G>A on transcript NM_001070.5 (MANE Select); coding-DNA position 53, G replaced by A.
Protein change: p.Gly18Glu; replaces glycine 18 with glutamic acid.
Molecular consequence: missense variant.
Genome position (GRCh38, 1-based): chr17:42,610,111, G>A. VCF-style: chr17-42610111-G-A. GRCh37 (hg19) VCF-style: chr17-40762129-G-A.
Other names: short protein forms G18E.
Identifiers: ClinVar variation 2577692 (VCV002577692.1), dbSNP rs2510733155, ClinGen allele CA399621213.

ClinVar aggregate classification (germline): Uncertain significance (1 of 4 stars; one submission).

Allele frequency attached by ClinVar (database versions not stated): gnomAD exomes below 0.00001.
gnomAD v4.1: 1 of 1,614,194 alleles (0.000062%); highest among the groups gnomAD compares: Non-Finnish European, 0.000085%; no homozygotes.

Submission:

GeneDx
Classification: Uncertain significance. Last evaluated: 2023-02-27. Review status: criteria provided, single submitter. Criteria: GeneDx Variant Classification Process June 2021. Collection method: clinical testing. Allele origin: germline. Affected: yes.
Comment: Not observed at significant frequency in large population cohorts (gnomAD); In silico analysis supports that this missense variant has a deleterious effect on protein structure/function; Has not been previously published as pathogenic or benign to our knowledge